The following is an entry in ClinVar:

ClinVar aggregate classification (germline): Uncertain significance (1 of 4 stars; one submission).

Conditions:
Brugada syndrome. Also called: Sudden unexplained nocturnal death syndrome; Sudden unexpected nocturnal death syndrome; Sudden Unexplained Death Syndrome; Sudden Unexplained Nocturnal Death Syndrome (SUNDS). Identifiers: Orphanet 130, MedGen C1142166, MONDO:0015263.

Submission:

Labcorp Genetics (formerly Invitae), Labcorp
Classification: Uncertain significance for Brugada syndrome. Last evaluated: 2024-10-22. Review status: criteria provided, single submitter. Criteria: Invitae Variant Classification Sherloc (09022015). Collection method: clinical testing. Allele origin: germline.
Comment: This sequence change replaces serine, which is neutral and polar, with asparagine, which is neutral and polar, at codon 92 of the SLMAP protein (p.Ser92Asn). This variant is not present in population databases (gnomAD no frequency). This variant has not been reported in the literature in individuals affected with SLMAP-related conditions. An algorithm developed to predict the effect of missense changes on protein structure and function (PolyPhen-2) suggests that this variant is likely to be disruptive. In summary, the available evidence is currently insufficient to determine the role of this variant in disease. Therefore, it has been classified as a Variant of Uncertain Significance.

NM_001377540.1(SLMAP):c.275G>A (p.Ser92Asn)

Gene: SLMAP (sarcolemma associated protein; plus strand). Cytogenetic location: 3p14.3.
Variant type: single nucleotide variant.
Coding change: c.275G>A on transcript NM_001377540.1 (MANE Select); coding-DNA position 275, G replaced by A.
Protein change: p.Ser92Asn; replaces serine 92 with asparagine.
Molecular consequence: missense variant. On other transcripts: non-coding transcript variant (1).
Genome position (GRCh38, 1-based): chr3:57,831,459, G>A. VCF-style: chr3-57831459-G-A. GRCh37 (hg19) VCF-style: chr3-57817186-G-A.
Other names: c.275G>A, p.Ser92Asn (NM_001304420.3, NM_001304421.2, NM_001377538.1 and 17 more transcripts); short protein forms S92N.
Identifiers: ClinVar variation 2898191 (VCV002898191.3), dbSNP rs2472136740, ClinGen allele CA353404236.